The following is an entry in ClinVar:

NM_000443.4(ABCB4):c.1864G>A (p.Gly622Arg)

Gene: ABCB4 (ATP binding cassette subfamily B member 4; minus strand). Cytogenetic location: 7q21.12.
Variant type: single nucleotide variant.
Coding change: c.1864G>A on transcript NM_000443.4 (MANE Select); coding-DNA position 1864, G replaced by A.
Protein change: p.Gly622Arg; replaces glycine 622 with arginine.
Molecular consequence: missense variant.
Genome position (GRCh38, 1-based): chr7:87,431,433, C>T on the plus strand (G>A on the coding strand, the complement: ABCB4 is on the minus strand). VCF-style: chr7-87431433-C-T. GRCh37 (hg19) VCF-style: chr7-87060749-C-T.
Other names: c.1864G>A, p.Gly622Arg (NM_018849.3, NM_018850.3); short protein forms G622R.
Identifiers: ClinVar variation 3048150 (VCV003048150.3), dbSNP rs1562968700, ClinGen allele CA368034523.

ClinVar aggregate classification (germline): Uncertain significance (1 of 4 stars; one submission).

Conditions:
ABCB4-related disorder. Also called: ABCB4-related disorders; ABCB4-related condition.

Allele frequency attached by ClinVar (database versions not stated): TOPMed 0.00001.

Submission:

PreventionGenetics, part of Exact Sciences
Classification: Uncertain significance for ABCB4-related condition. Last evaluated: 2025-09-16. Review status: criteria provided, single submitter. Criteria: ACMG Guidelines, 2015. Collection method: clinical testing. Allele origin: germline.
Comment: The ABCB4 c.1864G>A variant is predicted to result in the amino acid substitution p.Gly622Arg. To our knowledge, this variant has not been reported in the literature or in a large population database (gnomAD), indicating this variant is rare. An alternate substitution of this amino acid (p.Gly622Glu) has been reported in a large association study of gallstone disease (Gudbjartsson et al. 2015. PubMed ID: 25807286). At this time, the clinical significance of c.1864G>A (p.Gly622Arg) is uncertain due to the absence of conclusive functional and genetic evidence.